The following is an entry in ClinVar:

NM_014946.4(SPAST):c.1537-11A>G

Gene: SPAST (spastin; plus strand). Cytogenetic location: 2p22.3.
Variant type: single nucleotide variant.
Coding change: c.1537-11A>G on transcript NM_014946.4 (MANE Select); 11 bases into the intron before coding-DNA position 1537, A replaced by G.
Molecular consequence: intron variant.
Genome position (GRCh38, 1-based): chr2:32,143,325, A>G. VCF-style: chr2-32143325-A-G. GRCh37 (hg19) VCF-style: chr2-32368394-A-G.
Other names: c.1441-11A>G (NM_199436.2, NM_001377959.1); c.1534-11A>G (NM_001363823.2); c.1438-11A>G (NM_001363875.2).
Identifiers: ClinVar variation 566206 (VCV000566206.9), dbSNP rs549538513, ClinGen allele CA44754944.

ClinVar aggregate classification (germline): Pathogenic/Likely pathogenic. Review status: criteria provided, multiple submitters, no conflicts (2 of 4 stars). 2 submissions from 2 submitters: Pathogenic (1); Likely pathogenic (1). Last evaluated 2025-08-21.

Conditions:
Hereditary spastic paraplegia 4. Also called: Spastic paraplegia 4, autosomal dominant; Spastic Paraplegia 4; Familial spastic paraplegia autosomal dominant 2. Identifiers: Orphanet 100985, MedGen C1866855, MONDO:0008438, OMIM 182601.

Submissions (2):

Labcorp Genetics (formerly Invitae), Labcorp
Classification: Pathogenic for Hereditary spastic paraplegia 4. Last evaluated: 2025-08-21. Review status: criteria provided, single submitter. Criteria: Invitae Variant Classification Sherloc (09022015). Collection method: clinical testing. Allele origin: germline.
Comment: This sequence change falls in intron 13 of the SPAST gene. It does not directly change the encoded amino acid sequence of the SPAST protein. RNA analysis indicates that this variant induces altered splicing and likely results in a shortened protein product. This variant is not present in population databases (gnomAD no frequency). This variant has been observed in individuals with hereditary spastic paraplegia (PMID: 26208798, 34507445; internal data). ClinVar contains an entry for this variant (Variation ID: 566206). Studies have shown that this variant results in skipping of exons 13-14, but is expected to preserve the integrity of the reading-frame (PMID: 26208798). For these reasons, this variant has been classified as Pathogenic.

Women's Health and Genetics/Laboratory Corporation of America, LabCorp
Classification: Likely pathogenic for Hereditary spastic paraplegia 4. Last evaluated: 2022-05-18. Review status: criteria provided, single submitter. Criteria: LabCorp Variant Classification Summary - May 2015. Collection method: clinical testing. Allele origin: germline.
Comment: Variant summary: SPAST c.1537-11A>G alters a non-conserved nucleotide located close to a canonical splice site and therefore could affect mRNA splicing, leading to a significantly altered protein sequence. Several computational tools predict a significant impact on normal splicing: Two predict the variant abolishes a 3' acceptor site, while two predict the variant weakens a 3' acceptor site and two predict the variant creates a cryptic 3' acceptor site. One publication reporting RT-PCR analysis showed a patient with the variant had leaky splicing, having bands for the normal splicing product, a product with exon 14 deleted and a product with exons 13-14 deleted (Park_2015). The authors state the brothers young age may be the reason he did not have symptoms, or reduced penetrance due to the leaky splice effect of the variant. Additionally, the variant was reported in another pair of brothers, with only one brother having his HSP phenotype described in the report (Bae_2021). These data indicate that the variant may be associated with disease. One clinical diagnostic laboratory has submitted clinical-significance assessments for this variant to ClinVar after 2014 without evidence for independent evaluation. One laboratory classified the variant as uncertain significance. Based on the evidence outlined above, the variant was classified as likely pathogenic.

Literature cited by the submitters: PubMed 26208798 (cited by Labcorp Genetics (formerly Invitae), Labcorp and Women's Health and Genetics/Laboratory Corporation of America, LabCorp); PubMed 34507445 (cited by Labcorp Genetics (formerly Invitae), Labcorp and Women's Health and Genetics/Laboratory Corporation of America, LabCorp).